The following is an entry in ClinVar:

NM_012470.4(TNPO3):c.1011+3A>G

Gene: TNPO3 (transportin 3; minus strand). Cytogenetic location: 7q32.1.
Variant type: single nucleotide variant.
Coding change: c.1011+3A>G on transcript NM_012470.4 (MANE Select); 3 bases into the intron after coding-DNA position 1011, A replaced by G.
Molecular consequence: intron variant.
Genome position (GRCh38, 1-based): chr7:129,000,426, T>C on the plus strand (A>G on the coding strand, the complement: TNPO3 is on the minus strand). VCF-style: chr7-129000426-T-C. GRCh37 (hg19) VCF-style: chr7-128640480-T-C.
Other names: c.867+3A>G (NM_001382221.1); c.1011+3A>G (NM_001382222.1, NM_001382219.1, NM_001382223.1 and 4 more transcripts); c.1092+3A>G (NM_001382217.1).
Identifiers: ClinVar variation 2048821 (VCV002048821.4), dbSNP rs2536243612, ClinGen allele CA2580076569.
Genomic context (GRCh38, chr7:129,000,426, plus strand): 5'-AATATAGATAATATGCAGCACACAACTTGGAGAATAATGGCCTTTGAATAGCATAAACAC[T>C]ACCTCATATTGAGGATGGCCTGCACAGATAAGCAGCAGCTCCAGAGTTCGAAGGTCCCCA-3'

ClinVar aggregate classification (germline): Uncertain significance (1 of 4 stars; one submission).

Conditions:
Autosomal dominant limb-girdle muscular dystrophy type 1F (LGMDD2). Also called: Limb-girdle muscular dystrophy, type 1F; MUSCULAR DYSTROPHY, LIMB-GIRDLE, AUTOSOMAL DOMINANT 2. Identifiers: Orphanet 55595, MedGen C1842062, MONDO:0012034, OMIM 608423.

Submission:

Labcorp Genetics (formerly Invitae), Labcorp
Classification: Uncertain significance for Autosomal dominant limb-girdle muscular dystrophy type 1F. Last evaluated: 2022-11-08. Review status: criteria provided, single submitter. Criteria: Invitae Variant Classification Sherloc (09022015). Collection method: clinical testing. Allele origin: germline.
Comment: In summary, the available evidence is currently insufficient to determine the role of this variant in disease. Therefore, it has been classified as a Variant of Uncertain Significance. Variants that disrupt the consensus splice site are a relatively common cause of aberrant splicing (PMID: 17576681, 9536098). Algorithms developed to predict the effect of sequence changes on RNA splicing suggest that this variant may disrupt the consensus splice site. This variant has not been reported in the literature in individuals affected with TNPO3-related conditions. This variant is not present in population databases (gnomAD no frequency). This sequence change falls in intron 7 of the TNPO3 gene. It does not directly change the encoded amino acid sequence of the TNPO3 protein. It affects a nucleotide within the consensus splice site.

Literature cited by the submitters: PubMed 17576681; PubMed 9536098.